The following is an entry in ClinVar:

NM_014806.5(RUSC2):c.3400A>G (p.Thr1134Ala)

Gene: RUSC2 (RUN and SH3 domain containing 2; plus strand). Cytogenetic location: 9p13.3.
Variant type: single nucleotide variant.
Coding change: c.3400A>G on transcript NM_014806.5 (MANE Select); coding-DNA position 3400, A replaced by G.
Protein change: p.Thr1134Ala; replaces threonine 1134 with alanine.
Molecular consequence: missense variant. On other transcripts: non-coding transcript variant (1).
Genome position (GRCh38, 1-based): chr9:35,560,040, A>G. VCF-style: chr9-35560040-A-G. GRCh37 (hg19) VCF-style: chr9-35560037-A-G.
Other names: c.3400A>G, p.Thr1134Ala (NM_001135999.2); c.766A>G, p.Thr256Ala (NM_001330740.2); short protein forms T1134A, T256A.
Identifiers: ClinVar variation 3721875 (VCV003721875.2).

ClinVar aggregate classification (germline): Uncertain significance (1 of 4 stars; one submission).

gnomAD v4.1: 1 of 1,597,806 alleles (0.000063%); no homozygotes.

Submission:

Labcorp Genetics (formerly Invitae), Labcorp
Classification: Uncertain significance. Last evaluated: 2024-09-30. Review status: criteria provided, single submitter. Criteria: Invitae Variant Classification Sherloc (09022015). Collection method: clinical testing. Allele origin: germline.
Comment: This sequence change replaces threonine, which is neutral and polar, with alanine, which is neutral and non-polar, at codon 1134 of the RUSC2 protein (p.Thr1134Ala). This variant is present in population databases (no rsID available, gnomAD 0.003%). This variant has not been reported in the literature in individuals affected with RUSC2-related conditions. An algorithm developed to predict the effect of missense changes on protein structure and function outputs the following: PolyPhen-2: "Benign". The alanine amino acid residue is found in multiple mammalian species, which suggests that this missense change does not adversely affect protein function. In summary, the available evidence is currently insufficient to determine the role of this variant in disease. Therefore, it has been classified as a Variant of Uncertain Significance.